The following is an entry in ClinVar:

ClinVar aggregate classification (germline): Uncertain significance (1 of 4 stars; one submission).

Conditions:
Cardiovascular phenotype. Identifiers: MedGen CN230736.
Hereditary cancer-predisposing syndrome. Also called: Tumor predisposition; Neoplastic Syndromes, Hereditary; Hereditary Cancer Syndrome; Hereditary neoplastic syndrome. Identifiers: Orphanet 140162, MedGen C0027672, MeSH D009386, MONDO:0015356.

Submission:

Ambry Genetics
Classification: Uncertain significance for Cardiovascular phenotype; Hereditary cancer-predisposing syndrome. Last evaluated: 2025-01-17. Review status: criteria provided, single submitter. Criteria: Ambry Variant Classification Scheme 2023. Collection method: clinical testing. Allele origin: germline.
Comment: The c.2219+3A>T intronic variant results from an A to T substitution 3 nucleotides after coding exon 18 in the LZTR1 gene. This nucleotide position is highly conserved in available vertebrate species. In silico splice site analysis predicts that this alteration will not have any significant effect on splicing. Based on the available evidence, the clinical significance of this variant remains unclear.

NM_006767.4(LZTR1):c.2219+3A>T

Gene: LZTR1 (leucine zipper like post translational regulator 1; plus strand). Cytogenetic location: 22q11.21.
Variant type: single nucleotide variant.
Coding change: c.2219+3A>T on transcript NM_006767.4 (MANE Select); 3 bases into the intron after coding-DNA position 2219, A replaced by T.
Molecular consequence: intron variant.
Genome position (GRCh38, 1-based): chr22:20,996,115, A>T. VCF-style: chr22-20996115-A-T. GRCh37 (hg19) VCF-style: chr22-21350404-A-T.
Identifiers: ClinVar variation 3869290 (VCV003869290.1).